The following is an entry in ClinVar:

ClinVar aggregate classification (germline): Likely pathogenic. Review status: criteria provided, single submitter (1 of 4 stars). 3 submissions from 3 submitters: Likely pathogenic (1). 2 of the submissions do not count toward it. Last evaluated 2017-01-06.

Conditions:
Familial cold autoinflammatory syndrome 1 (FCAS1). Also called: CRYOPYRIN-ASSOCIATED PERIODIC SYNDROME 1; Familial cold inflammatory syndrome 1. Identifiers: Orphanet 47045, MedGen C4551895, MONDO:0007349, OMIM 120100.
Autoinflammatory syndrome. Identifiers: Orphanet 93665, MedGen C3890737, MONDO:0019751.

Submissions (3):

Genome Diagnostics Laboratory, The Hospital for Sick Children
Classification: Likely pathogenic for Autoinflammatory syndrome. Last evaluated: 2017-01-06. Review status: criteria provided, single submitter. Criteria: ACMG Guidelines, 2015. Collection method: clinical testing. Allele origin: germline. Affected: yes.

OMIM
Classification: Pathogenic for FAMILIAL COLD AUTOINFLAMMATORY SYNDROME 1. Last evaluated: 2001-11-01. Review status: no assertion criteria provided. Collection method: literature only. Allele origin: germline. Not counted in ClinVar's aggregate classification.

Unité médicale des maladies autoinflammatoires, CHRU Montpellier
No classification provided. Condition: Familial cold urticaria. Review status: no classification provided. Collection method: not provided. Allele origin: unknown. Not counted in ClinVar's aggregate classification.
Comment: also involved in OMIM 191900 and 607115

Literature cited by the submitters: PubMed 447320 (cited by OMIM); PubMed 11687797 (cited by OMIM).

NM_001243133.2(NLRP3):c.1880A>G (p.Glu627Gly)

Gene: NLRP3 (NLR family pyrin domain containing 3; plus strand). Cytogenetic location: 1q44.
Variant type: single nucleotide variant.
Coding change: c.1880A>G on transcript NM_001243133.2 (MANE Select); coding-DNA position 1880, A replaced by G.
Protein change: p.Glu627Gly; replaces glutamic acid 627 with glycine.
Molecular consequence: missense variant.
Genome position (GRCh38, 1-based): chr1:247,425,329, A>G. VCF-style: chr1-247425329-A-G. GRCh37 (hg19) VCF-style: chr1-247588631-A-G.
Other names: c.1880A>G, p.Glu627Gly (NM_001079821.3, NM_001127461.3, NM_001127462.3 and 1 more transcripts); c.1886A>G, p.Glu629Gly (NM_004895.5); short protein forms E627G, E629G.
Identifiers: ClinVar variation 4372 (VCV000004372.4), dbSNP rs121908148, ClinGen allele CA280966.